The following is an entry in ClinVar:

ClinVar aggregate classification (germline): Uncertain significance (1 of 4 stars; one submission).

Allele frequency attached by ClinVar (database versions not stated): gnomAD 0.00001; ExAC 0.00003; ESP Exome Variant Server 0.00023.
gnomAD v4.1: 29 of 1,612,656 alleles (0.0018%); highest among the groups gnomAD compares: East Asian, 0.018%; no homozygotes.

Submission:

Labcorp Genetics (formerly Invitae), Labcorp
Classification: Uncertain significance. Last evaluated: 2023-03-13. Review status: criteria provided, single submitter. Criteria: Invitae Variant Classification Sherloc (09022015). Collection method: clinical testing. Allele origin: germline.
Comment: In summary, the available evidence is currently insufficient to determine the role of this variant in disease. Therefore, it has been classified as a Variant of Uncertain Significance. Algorithms developed to predict the effect of sequence changes on RNA splicing suggest that this variant is not likely to affect RNA splicing. This variant has not been reported in the literature in individuals affected with EIF2AK2-related conditions. This variant is present in population databases (rs149581029, gnomAD 0.004%). This sequence change affects codon 198 of the EIF2AK2 mRNA. It is a 'silent' change, meaning that it does not change the encoded amino acid sequence of the EIF2AK2 protein. It affects a nucleotide within the consensus splice site.

NM_001135651.3(EIF2AK2):c.594C>T (p.Leu198=)

Gene: EIF2AK2 (eukaryotic translation initiation factor 2 alpha kinase 2; minus strand). Cytogenetic location: 2p22.2.
Variant type: single nucleotide variant.
Coding change: c.594C>T on transcript NM_001135651.3 (MANE Select); coding-DNA position 594, C replaced by T.
Protein change: p.Leu198=; no amino-acid change (leucine 198 retained).
Molecular consequence: synonymous variant.
Genome position (GRCh38, 1-based): chr2:37,138,363, G>A on the plus strand (C>T on the coding strand, the complement: EIF2AK2 is on the minus strand). VCF-style: chr2-37138363-G-A. GRCh37 (hg19) VCF-style: chr2-37365506-G-A.
Other names: c.594C>T, p.Leu198= (NM_001135652.3, NM_002759.4).
Identifiers: ClinVar variation 3019390 (VCV003019390.3), dbSNP rs149581029, ClinGen allele CA1615268.